The following is an entry in ClinVar:

ClinVar aggregate classification (germline): Uncertain significance. Review status: criteria provided, multiple submitters, no conflicts (2 of 4 stars). 2 submissions from 2 submitters: Uncertain significance (2). Last evaluated 2022-09-27.

Allele frequency attached by ClinVar (database versions not stated): gnomAD exomes below 0.00001 and 0.00001; gnomAD 0.00001; TOPMed 0.00001; ExAC 0.00002.
gnomAD v4.1: 4 of 1,612,896 alleles (0.00025%); highest among the groups gnomAD compares: East Asian, 0.0067%; no homozygotes.

Submissions (2):

Labcorp Genetics (formerly Invitae), Labcorp
Classification: Uncertain significance. Last evaluated: 2022-09-27. Review status: criteria provided, single submitter. Criteria: Invitae Variant Classification Sherloc (09022015). Collection method: clinical testing. Allele origin: germline.
Comment: In summary, the available evidence is currently insufficient to determine the role of this variant in disease. Therefore, it has been classified as a Variant of Uncertain Significance. ClinVar contains an entry for this variant (Variation ID: 840076). This sequence change creates a premature translational stop signal (p.Trp335*) in the GALNT12 gene. It is expected to result in an absent or disrupted protein product. However, the current clinical and genetic evidence is not sufficient to establish whether loss-of-function variants in GALNT12 cause disease. This variant is present in population databases (rs751621695, gnomAD 0.02%). This variant has not been reported in the literature in individuals affected with GALNT12-related conditions.

Ambry Genetics
Classification: Uncertain significance. Last evaluated: 2022-09-16. Review status: criteria provided, single submitter. Criteria: Ambry Variant Classification Scheme 2023. Collection method: clinical testing. Allele origin: germline.
Comment: The p.W335* variant (also known as c.1005G>A), located in coding exon 5 of the GALNT12 gene, results from a G to A substitution at nucleotide position 1005. This changes the amino acid from a tryptophan to a stop codon within coding exon 5. This alteration is expected to result in premature protein truncation or nonsense-mediated mRNA decay. However, the evidence for this gene-disease relationship is limited; therefore, the clinical significance of this alteration is unclear.

NM_024642.5(GALNT12):c.1005G>A (p.Trp335Ter)

Gene: GALNT12 (polypeptide N-acetylgalactosaminyltransferase 12; plus strand). Cytogenetic location: 9q22.33.
Variant type: single nucleotide variant.
Coding change: c.1005G>A on transcript NM_024642.5 (MANE Select); coding-DNA position 1005, G replaced by A.
Protein change: p.Trp335Ter; replaces tryptophan 335 with a stop codon.
Molecular consequence: nonsense.
Genome position (GRCh38, 1-based): chr9:98,835,336, G>A. VCF-style: chr9-98835336-G-A. GRCh37 (hg19) VCF-style: chr9-101597618-G-A.
Other names: short protein forms W335*.
Identifiers: ClinVar variation 840076 (VCV000840076.10), dbSNP rs751621695, ClinGen allele CA5154130.